The following is an entry in ClinVar:

NM_198687.2(KRTAP10-4):c.492C>G (p.Val164=)

Genes: KRTAP10-4 (keratin associated protein 10-4; plus strand), TSPEAR (thrombospondin type laminin G domain and EAR repeats; minus strand). Cytogenetic location: 21q22.3.
Variant type: single nucleotide variant.
Coding change: c.492C>G on transcript NM_198687.2 (MANE Select); coding-DNA position 492, C replaced by G.
Protein change: p.Val164=; no amino-acid change (valine 164 retained).
Molecular consequence: synonymous variant. On other transcripts: intron variant (2).
Genome position (GRCh38, 1-based): chr21:44,574,250, C>G. VCF-style: chr21-44574250-C-G. GRCh37 (hg19) VCF-style: chr21-45994127-C-G.
Other names: c.83-6245G>C (NM_144991.3); c.-122-6245G>C (NM_001272037.2).
Identifiers: ClinVar variation 3771905 (VCV003771905.13).

ClinVar aggregate classification (germline): Likely benign (1 of 4 stars; one submission).

Submission:

CeGaT Center for Human Genetics Tuebingen
Classification: Likely benign. Last evaluated: 2025-02-01. Review status: criteria provided, single submitter. Criteria: CeGaT Center For Human Genetics Tuebingen Variant Classification Criteria Version 2. Collection method: clinical testing. Allele origin: germline. Affected: yes. Observed: 1 variant allele.
Comment: KRTAP10-4: BP4, BP7